The following is an entry in ClinVar:

NM_004656.4(BAP1):c.653C>G (p.Thr218Ser)

Gene: BAP1 (BRCA1 associated deubiquitinase 1; minus strand). Cytogenetic location: 3p21.1.
Variant type: single nucleotide variant.
Coding change: c.653C>G on transcript NM_004656.4 (MANE Select); coding-DNA position 653, C replaced by G.
Protein change: p.Thr218Ser; replaces threonine 218 with serine.
Molecular consequence: missense variant.
Genome position (GRCh38, 1-based): chr3:52,406,835, G>C on the plus strand (C>G on the coding strand, the complement: BAP1 is on the minus strand). VCF-style: chr3-52406835-G-C. GRCh37 (hg19) VCF-style: chr3-52440851-G-C.
Other names: c.653C>G, p.Thr218Ser (NM_001410772.1); short protein forms T218S.
Identifiers: ClinVar variation 3224476 (VCV003224476.1), dbSNP rs2153227628, ClinGen allele CA353108724.

ClinVar aggregate classification (germline): Uncertain significance (1 of 4 stars; one submission).

Conditions:
Hereditary cancer-predisposing syndrome. Also called: Tumor predisposition; Hereditary neoplastic syndrome; Hereditary Cancer Syndrome; Neoplastic Syndromes, Hereditary. Identifiers: Orphanet 140162, MedGen C0027672, MeSH D009386, MONDO:0015356.

Submission:

Ambry Genetics
Classification: Uncertain significance for Hereditary cancer-predisposing syndrome. Last evaluated: 2024-02-24. Review status: criteria provided, single submitter. Criteria: Ambry Variant Classification Scheme 2023. Collection method: clinical testing. Allele origin: germline.
Comment: The p.T218S variant (also known as c.653C>G), located in coding exon 8 of the BAP1 gene, results from a C to G substitution at nucleotide position 653. The threonine at codon 218 is replaced by serine, an amino acid with similar properties. This amino acid position is highly conserved in available vertebrate species. In addition, the in silico prediction for this alteration is inconclusive. Based on the available evidence, the clinical significance of this alteration remains unclear.